The following is an entry in ClinVar:

ClinVar aggregate classification (germline): Pathogenic (1 of 4 stars; one submission).

Conditions:
Familial renal glucosuria (GLYS). Also called: RENAL GLUCOSURIA, AUTOSOMAL DOMINANT; Familial renal glycosuria. Identifiers: Orphanet 69076, MedGen C3245525, MONDO:0009297, OMIM 233100.

Submission:

MVZ Medizinische Genetik Mainz
Classification: Pathogenic for Familial renal glucosuria. Last evaluated: 2025-09-04. Review status: criteria provided, single submitter. Criteria: UK Practice Guidelines For Variant Classification V4 01 2020. Collection method: clinical testing. Allele origin: germline. Inheritance: Autosomal recessive inheritance. Affected: yes. Observed: 1 variant allele.
Comment: ACMG Criteria: PVS1,PM2_SUP,PP4

NM_003041.4(SLC5A2):c.1281-1G>A

Gene: SLC5A2 (solute carrier family 5 member 2; plus strand). Cytogenetic location: 16p11.2.
Variant type: single nucleotide variant.
Coding change: c.1281-1G>A on transcript NM_003041.4 (MANE Select); the canonical splice acceptor site of the intron before coding-DNA position 1281, G replaced by A.
Molecular consequence: splice acceptor variant.
Genome position (GRCh38, 1-based): chr16:31,488,879, G>A. VCF-style: chr16-31488879-G-A. GRCh37 (hg19) VCF-style: chr16-31500200-G-A.
Identifiers: ClinVar variation 4277263 (VCV004277263.1).